The following is an entry in ClinVar:

ClinVar aggregate classification (germline): Uncertain significance (1 of 4 stars; one submission).

Conditions:
Progressive myoclonic epilepsy type 9. Identifiers: Orphanet 457265, MedGen C4225289, MONDO:0014685, OMIM 616540.
Lipodystrophy, partial, acquired, susceptibility to (APLD). Also called: APLD, SUSCEPTIBILITY TO. Identifiers: MedGen C3887501, MONDO:0100476, OMIM 608709.

Submission:

Labcorp Genetics (formerly Invitae), Labcorp
Classification: Uncertain significance for Progressive myoclonic epilepsy type 9; Lipodystrophy, partial, acquired, susceptibility to. Last evaluated: 2024-10-09. Review status: criteria provided, single submitter. Criteria: Invitae Variant Classification Sherloc (09022015). Collection method: clinical testing. Allele origin: germline.
Comment: This sequence change replaces arginine, which is basic and polar, with histidine, which is basic and polar, at codon 211 of the LMNB2 protein (p.Arg211His). This variant is present in population databases (rs765666579, gnomAD 0.003%). This variant has not been reported in the literature in individuals affected with LMNB2-related conditions. Invitae Evidence Modeling of protein sequence and biophysical properties (such as structural, functional, and spatial information, amino acid conservation, physicochemical variation, residue mobility, and thermodynamic stability) indicates that this missense variant is not expected to disrupt LMNB2 protein function with a negative predictive value of 80%. In summary, the available evidence is currently insufficient to determine the role of this variant in disease. Therefore, it has been classified as a Variant of Uncertain Significance.

NM_032737.4(LMNB2):c.632G>A (p.Arg211His)

Gene: LMNB2 (lamin B2; minus strand). Cytogenetic location: 19p13.3.
Variant type: single nucleotide variant.
Coding change: c.632G>A on transcript NM_032737.4 (MANE Select); coding-DNA position 632, G replaced by A.
Protein change: p.Arg211His; replaces arginine 211 with histidine.
Molecular consequence: missense variant.
Genome position (GRCh38, 1-based): chr19:2,438,215, C>T on the plus strand (G>A on the coding strand, the complement: LMNB2 is on the minus strand). VCF-style: chr19-2438215-C-T. GRCh37 (hg19) VCF-style: chr19-2438213-C-T.
Other names: short protein forms R211H.
Identifiers: ClinVar variation 3756603 (VCV003756603.2).